The following is an entry in ClinVar:

NM_001166108.2(PALLD):c.1819G>A (p.Glu607Lys)

Gene: PALLD (palladin, cytoskeletal associated protein; plus strand). Cytogenetic location: 4q32.3.
Variant type: single nucleotide variant.
Coding change: c.1819G>A on transcript NM_001166108.2 (MANE Select); coding-DNA position 1819, G replaced by A.
Protein change: p.Glu607Lys; replaces glutamic acid 607 with lysine.
Molecular consequence: missense variant.
Genome position (GRCh38, 1-based): chr4:168,711,778, G>A. VCF-style: chr4-168711778-G-A. GRCh37 (hg19) VCF-style: chr4-169632929-G-A.
Other names: c.673G>A, p.Glu225Lys (NM_001166109.2); c.1819G>A, p.Glu607Lys (NM_016081.4); short protein forms E225K, E607K.
Identifiers: ClinVar variation 1780721 (VCV001780721.2), dbSNP rs2531856420, ClinGen allele CA358798405.

ClinVar aggregate classification (germline): Uncertain significance (1 of 4 stars; one submission).

Submission:

Ambry Genetics
Classification: Uncertain significance. Last evaluated: 2022-07-05. Review status: criteria provided, single submitter. Criteria: Ambry Variant Classification Scheme 2023. Collection method: clinical testing. Allele origin: germline.
Comment: The p.E607K variant (also known as c.1819G>A), located in coding exon 9 of the PALLD gene, results from a G to A substitution at nucleotide position 1819. The glutamic acid at codon 607 is replaced by lysine, an amino acid with similar properties. This amino acid position is conserved. In addition, this alteration is predicted to be tolerated by in silico analysis. Since supporting evidence is limited at this time, the clinical significance of this alteration remains unclear.